The following is an entry in ClinVar:

NM_006949.4(STXBP2):c.661G>A (p.Glu221Lys)

Gene: STXBP2 (syntaxin binding protein 2; plus strand). Cytogenetic location: 19p13.2.
Variant type: single nucleotide variant.
Coding change: c.661G>A on transcript NM_006949.4 (MANE Select); coding-DNA position 661, G replaced by A.
Protein change: p.Glu221Lys; replaces glutamic acid 221 with lysine.
Molecular consequence: missense variant. On other transcripts: non-coding transcript variant (1).
Genome position (GRCh38, 1-based): chr19:7,642,116, G>A. VCF-style: chr19-7642116-G-A. GRCh37 (hg19) VCF-style: chr19-7707002-G-A.
Other names: c.652G>A, p.Glu218Lys (NM_001127396.3); c.694G>A, p.Glu232Lys (NM_001272034.2); c.661G>A (NM_006949.2); short protein forms E221K, E218K, E232K.
Identifiers: ClinVar variation 567849 (VCV000567849.12), dbSNP rs201649843, ClinGen allele CA9143744.

ClinVar aggregate classification (germline): Conflicting classifications of pathogenicity. Review status: criteria provided, conflicting classifications (1 of 4 stars). 4 submissions from 4 submitters: Uncertain significance (3); Likely benign (1). Last evaluated 2026-04-07.

Conditions:
Inborn genetic diseases. Identifiers: MedGen C0950123, MeSH D030342.
Familial hemophagocytic lymphohistiocytosis 5. Also called: STXBP2-Related Familial Hemophagocytic Lymphohistiocytosis (STXBP2-fHLH). Identifiers: Orphanet 540, MedGen C2751293, MONDO:0013135, OMIM 613101.

Allele frequency attached by ClinVar (database versions not stated): 1000 Genomes Project 0.00020; ExAC 0.00008; ESP Exome Variant Server 0.00008; gnomAD 0.00011; gnomAD exomes 0.00014 and 0.00017; 1000 Genomes Project 30x 0.00016; TOPMed 0.00016.
gnomAD v4.1: 271 of 1,614,096 alleles (0.017%); highest among the groups gnomAD compares: Admixed American, 0.035%; 1 homozygote.

Submissions (4):

Women's Health and Genetics/Laboratory Corporation of America, LabCorp
Classification: Uncertain significance. Last evaluated: 2026-04-07. Review status: criteria provided, single submitter. Criteria: LabCorp Variant Classification Summary - May 2015. Collection method: clinical testing. Allele origin: germline.
Comment: Variant summary: STXBP2 c.661G>A (p.Glu221Lys) results in a conservative amino acid change in the encoded protein sequence. Algorithms developed to predict the effect of missense changes on protein structure and function are either unavailable or do not agree on the potential impact of this missense change. Consensus agreement among computation tools predict no significant impact on normal splicing. However, these predictions have yet to be confirmed by functional studies. The variant allele was found at a frequency of 0.00014 in 250952 control chromosomes in the gnomAD database, including 1 homozygote. This frequency is not significantly higher than estimated for disease-causing variants in STXBP2, allowing no conclusion about variant significance. To our knowledge, no occurrence of c.661G>A in individuals affected with STXBP2-related conditions and no experimental evidence demonstrating its impact on protein function have been reported. ClinVar contains an entry for this variant (Variation ID: 567849). Based on the evidence outlined above, the variant was classified as uncertain significance.

Labcorp Genetics (formerly Invitae), Labcorp
Classification: Likely benign for Familial hemophagocytic lymphohistiocytosis 5. Last evaluated: 2026-01-20. Review status: criteria provided, single submitter. Criteria: Invitae Variant Classification Sherloc (09022015). Collection method: clinical testing. Allele origin: germline.

Ambry Genetics
Classification: Uncertain significance for Inborn genetic diseases. Last evaluated: 2025-08-30. Review status: criteria provided, single submitter. Criteria: Ambry Variant Classification Scheme 2023. Collection method: clinical testing. Allele origin: germline.

GeneDx
Classification: Uncertain significance. Last evaluated: 2022-04-04. Review status: criteria provided, single submitter. Criteria: GeneDx Variant Classification Process June 2021. Collection method: clinical testing. Allele origin: germline. Affected: yes.
Comment: In silico analysis supports that this missense variant has a deleterious effect on protein structure/function; Has not been previously published as pathogenic or benign to our knowledge